The following is an entry in ClinVar:

ClinVar aggregate classification (germline): Likely benign (0 of 4 stars; one submission).

Conditions:
GGCX-related disorder. Also called: GGCX-related condition; GGCX - Related Disorders.

Submission:

PreventionGenetics, part of Exact Sciences
Classification: Likely benign for GGCX-related condition. Last evaluated: 2021-12-01. Review status: no assertion criteria provided. Collection method: clinical testing. Allele origin: germline.
Comment: This variant is classified as likely benign based on ACMG/AMP sequence variant interpretation guidelines (Richards et al. 2015 PMID: 25741868, with internal and published modifications).

NM_000821.7(GGCX):c.207T>C (p.Phe69=)

Gene: GGCX (gamma-glutamyl carboxylase; minus strand). Cytogenetic location: 2p11.2.
Variant type: single nucleotide variant.
Coding change: c.207T>C on transcript NM_000821.7 (MANE Select); coding-DNA position 207, T replaced by C.
Protein change: p.Phe69=; no amino-acid change (phenylalanine 69 retained).
Molecular consequence: synonymous variant. On other transcripts: intron variant (1).
Genome position (GRCh38, 1-based): chr2:85,560,822, A>G on the plus strand (T>C on the coding strand, the complement: GGCX is on the minus strand). VCF-style: chr2-85560822-A-G. GRCh37 (hg19) VCF-style: chr2-85787945-A-G.
Other names: c.207T>C, p.Phe69= (NM_001311312.3); c.43+564T>C (NM_001142269.4).
Identifiers: ClinVar variation 3056441 (VCV003056441.2), dbSNP rs2466170581, ClinGen allele CA427092706.